The following is an entry in ClinVar:

ClinVar aggregate classification (germline): Uncertain significance (1 of 4 stars; one submission).

Allele frequency attached by ClinVar (database versions not stated): ExAC 0.00001.
gnomAD v4.1: 1 of 1,614,074 alleles (0.000062%); no homozygotes.

Submission:

Labcorp Genetics (formerly Invitae), Labcorp
Classification: Uncertain significance. Last evaluated: 2021-12-06. Review status: criteria provided, single submitter. Criteria: Invitae Variant Classification Sherloc (09022015). Collection method: clinical testing. Allele origin: germline.
Comment: This sequence change replaces methionine, which is neutral and non-polar, with threonine, which is neutral and polar, at codon 289 of the KCNH1 protein (p.Met289Thr). This variant is not present in population databases (gnomAD no frequency). This variant has not been reported in the literature in individuals affected with KCNH1-related conditions. Algorithms developed to predict the effect of missense changes on protein structure and function (SIFT, PolyPhen-2, Align-GVGD) all suggest that this variant is likely to be tolerated. In summary, the available evidence is currently insufficient to determine the role of this variant in disease. Therefore, it has been classified as a Variant of Uncertain Significance.

NM_172362.3(KCNH1):c.866T>C (p.Met289Thr)

Gene: KCNH1 (potassium voltage-gated channel subfamily H member 1; minus strand). Cytogenetic location: 1q32.2.
Variant type: single nucleotide variant.
Coding change: c.866T>C on transcript NM_172362.3 (MANE Select); coding-DNA position 866, T replaced by C.
Protein change: p.Met289Thr; replaces methionine 289 with threonine.
Molecular consequence: missense variant.
Genome position (GRCh38, 1-based): chr1:211,018,949, A>G on the plus strand (T>C on the coding strand, the complement: KCNH1 is on the minus strand). VCF-style: chr1-211018949-A-G. GRCh37 (hg19) VCF-style: chr1-211192291-A-G.
Other names: c.866T>C, p.Met289Thr (NM_002238.4); short protein forms M289T.
Identifiers: ClinVar variation 1492547 (VCV001492547.6), dbSNP rs758132175, ClinGen allele CA1379957.